The following is an entry in ClinVar:

ClinVar aggregate classification (germline): Uncertain significance (1 of 4 stars; one submission).

Conditions:
GIPC3-related disorder. Also called: GIPC3-related condition.

Submission:

PreventionGenetics, part of Exact Sciences
Classification: Uncertain significance for GIPC3-related condition. Last evaluated: 2025-09-30. Review status: criteria provided, single submitter. Criteria: ACMG Guidelines, 2015. Collection method: clinical testing. Allele origin: germline.
Comment: The GIPC3 c.863G>A variant is predicted to result in the amino acid substitution p.Gly288Asp. To our knowledge, this variant has not been reported in the literature or in a large population database (gnomAD), indicating this variant is rare. At this time, the clinical significance of this variant is uncertain due to the absence of conclusive functional and genetic evidence.

NM_133261.3(GIPC3):c.863G>A (p.Gly288Asp)

Gene: GIPC3 (GIPC PDZ domain containing family member 3; plus strand). Cytogenetic location: 19p13.3.
Variant type: single nucleotide variant.
Coding change: c.863G>A on transcript NM_133261.3 (MANE Select); coding-DNA position 863, G replaced by A.
Protein change: p.Gly288Asp; replaces glycine 288 with aspartic acid.
Molecular consequence: missense variant. On other transcripts: synonymous variant (1).
Genome position (GRCh38, 1-based): chr19:3,590,114, G>A. VCF-style: chr19-3590114-G-A. GRCh37 (hg19) VCF-style: chr19-3590112-G-A.
Other names: c.876G>A, p.Gly292= (NM_001411144.1); short protein forms G288D.
Identifiers: ClinVar variation 4996152 (VCV004996152.1).
Genomic context (GRCh38, chr19:3,590,114, plus strand): 5'-AGACGTCCAAGAAGACAGCGAGCGCCCAGGAGTTTGCACGCTGTTTAGACTCCGTCTTGG[G>A]CGAGTTCGCCTTCCCCGACGAGTTTGTGGTGGAAGTGTGGGCCGCCATCGGCGAGGCCAG-3'
Protein context (NP_573568.1, residues 278-298): EFARCLDSVL[Gly288Asp]EFAFPDEFVV